The following is an entry in ClinVar:

ClinVar aggregate classification (germline): Uncertain significance (1 of 4 stars; one submission).

Submission:

Labcorp Genetics (formerly Invitae), Labcorp
Classification: Uncertain significance. Last evaluated: 2023-12-30. Review status: criteria provided, single submitter. Criteria: Invitae Variant Classification Sherloc (09022015). Collection method: clinical testing. Allele origin: germline.
Comment: This sequence change affects codon 1560 of the HIVEP2 mRNA. It is a 'silent' change, meaning that it does not change the encoded amino acid sequence of the HIVEP2 protein. Information on the frequency of this variant in the gnomAD database is not available, as this variant may be reported differently in the database. This variant has not been reported in the literature in individuals affected with HIVEP2-related conditions. Experimental studies and prediction algorithms are not available or were not evaluated, and the effect of this variant on mRNA splicing is currently unknown. In summary, the available evidence is currently insufficient to determine the role of this variant in disease. Therefore, it has been classified as a Variant of Uncertain Significance.

NM_006734.4(HIVEP2):c.4678_4679delinsAG (p.Ser1560=)

Gene: HIVEP2 (HIVEP zinc finger 2; minus strand). Cytogenetic location: 6q24.2.
Variant type: Indel.
Coding change: c.4678_4679delinsAG on transcript NM_006734.4 (MANE Select); coding-DNA positions 4678 to 4679, TC replaced by AG.
Protein change: p.Ser1560=; no amino-acid change (serine 1560 retained).
Molecular consequence: synonymous variant.
Genome position (GRCh38, 1-based): chr6:142,770,060-142,770,061, GA replaced by CT on the plus strand (TC replaced by AG on the coding strand, the reverse complement: HIVEP2 is on the minus strand). VCF-style: chr6-142770060-GA-CT. GRCh37 (hg19) VCF-style: chr6-143091197-GA-CT.
Identifiers: ClinVar variation 2705496 (VCV002705496.3), dbSNP rs2482820379, ClinGen allele CA2697553766.